The following is an entry in ClinVar:

NM_030665.4(RAI1):c.1867G>A (p.Asp623Asn)

Gene: RAI1 (retinoic acid induced 1; plus strand). Cytogenetic location: 17p11.2.
Variant type: single nucleotide variant.
Coding change: c.1867G>A on transcript NM_030665.4 (MANE Select); coding-DNA position 1867, G replaced by A.
Protein change: p.Asp623Asn; replaces aspartic acid 623 with asparagine.
Molecular consequence: missense variant.
Genome position (GRCh38, 1-based): chr17:17,794,815, G>A. VCF-style: chr17-17794815-G-A. GRCh37 (hg19) VCF-style: chr17-17698129-G-A.
Other names: short protein forms D623N.
Identifiers: ClinVar variation 1440753 (VCV001440753.10), dbSNP rs148619631, ClinGen allele CA8418416.

ClinVar aggregate classification (germline): Conflicting classifications of pathogenicity. Review status: criteria provided, conflicting classifications (1 of 4 stars). 4 submissions from 4 submitters: Uncertain significance (1); Benign (1); Likely benign (1). 1 of the submissions does not count toward it. Last evaluated 2025-12-13.

Conditions:
Inborn genetic diseases. Identifiers: MedGen C0950123, MeSH D030342.
RAI1-related disorder. Also called: RAI1-related condition.

Allele frequency attached by ClinVar (database versions not stated): gnomAD exomes 0.00001 and 0.00002; ExAC 0.00003; gnomAD 0.00004; TOPMed 0.00005; ESP Exome Variant Server 0.00015.
gnomAD v4.1: 24 of 1,612,952 alleles (0.0015%); highest among the groups gnomAD compares: African/African-American, 0.011%; no homozygotes.

Submissions (4):

Labcorp Genetics (formerly Invitae), Labcorp
Classification: Benign. Last evaluated: 2025-12-13. Review status: criteria provided, single submitter. Criteria: Invitae Variant Classification Sherloc (09022015). Collection method: clinical testing. Allele origin: germline.

Women's Health and Genetics/Laboratory Corporation of America, LabCorp
Classification: Uncertain significance. Last evaluated: 2024-11-19. Review status: criteria provided, single submitter. Criteria: LabCorp Variant Classification Summary - May 2015. Collection method: clinical testing. Allele origin: germline.
Comment: Variant summary: RAI1 c.1867G>A (p.Asp623Asn) results in a conservative amino acid change in the encoded protein sequence. Five of five in-silico tools predict a benign effect of the variant on protein function. The variant allele was found at a frequency of 2e-05 in 249868 control chromosomes. The available data on variant occurrences in the general population are insufficient to allow any conclusion about variant significance. To our knowledge, no occurrence of c.1867G>A in individuals affected with Smith-Magenis Syndrome and no experimental evidence demonstrating its impact on protein function have been reported. ClinVar contains an entry for this variant (Variation ID: 1440753). Based on the evidence outlined above, the variant was classified as uncertain significance.

Ambry Genetics
Classification: Likely benign for Inborn genetic diseases. Last evaluated: 2019-06-16. Review status: criteria provided, single submitter. Criteria: Ambry Variant Classification Scheme 2023. Collection method: clinical testing. Allele origin: germline.

PreventionGenetics, part of Exact Sciences
Classification: Uncertain significance for RAI1-related condition. Last evaluated: 2024-04-15. Review status: no assertion criteria provided. Collection method: clinical testing. Allele origin: germline. Not counted in ClinVar's aggregate classification.
Comment: The RAI1 c.1867G>A variant is predicted to result in the amino acid substitution p.Asp623Asn. To our knowledge, this variant has not been reported in the literature. This variant is reported in 0.016% of alleles in individuals of African descent in gnomAD, which may be too frequent to be a primary cause of disease. Although we suspect that this variant may be benign, at this time, the clinical significance of this variant is uncertain due to the absence of conclusive functional and genetic evidence.